The following is an entry in ClinVar:

ClinVar aggregate classification (germline): Pathogenic (1 of 4 stars; one submission).

Conditions:
Familial dysautonomia. Also called: HSAN III; FD. Identifiers: Orphanet 1764, MedGen C0013364, MONDO:0009131, OMIM 223900. Disease mechanism: loss of function.

Submission:

Myriad Genetics, Inc.
Classification: Pathogenic for Familial dysautonomia. Last evaluated: 2023-09-27. Review status: criteria provided, single submitter. Criteria: Myriad Autosomal Dominant, Autosomal Recessive and X-Linked Classification Criteria (2023). Collection method: clinical testing. Allele origin: unknown.
Comment: NM_003640.3(ELP1):c.2027dupG(L677Pfs*63) is expected to be pathogenic in the context of familial dysautonomia. This variant is predicted to lead to an abnormal or absent protein product due to the creation of a premature termination codon in ELP1, a gene where loss-of-function variants are known to be pathogenic. Please note: this variant was assessed in the context of healthy population screening.

NM_003640.5(ELP1):c.2027dup (p.Leu677fs)

Gene: ELP1 (elongator acetyltransferase complex subunit 1; minus strand). Cytogenetic location: 9q31.3.
Variant type: Duplication.
Coding change: c.2027dup on transcript NM_003640.5 (MANE Select); coding-DNA position 2027, one base duplicated (G; older notation c.2027dupG).
Protein change: p.Leu677fs; shifts the reading frame from leucine 677.
Molecular consequence: frameshift variant.
Genome position (GRCh38, 1-based): chr9:108,900,363, C duplicated on the plus strand (G on the coding strand, the reverse complement: ELP1 is on the minus strand); the first of 2 consecutive C bases (chr9:108,900,363-108,900,364); duplicating either gives the same sequence. VCF-style (leftmost placement, unchanged base first): chr9-108900362-G-GC. GRCh37 (hg19) VCF-style: chr9-111662642-G-GC.
Other names: c.1685dup, p.Leu563fs (NM_001318360.2); c.980dup, p.Leu328fs (NM_001330749.2); short protein forms L328fs, L563fs, L677fs.
Identifiers: ClinVar variation 5012192 (VCV005012192.1).
Genomic context (GRCh38, chr9:108,900,362, plus strand): 5'-CCGTGAACCCCTCTCCACTTTCCGCAGAACTTCCCCATGGGACACATGATTGCTGCTCAG[G>GC]CCGGCCTGTAATGCTAAACACACCATTAACTAATAAGCCTTAATTATCACAACAAGCCAC-3'